The following is an entry in ClinVar:

ClinVar aggregate classification (germline): Uncertain significance. Review status: criteria provided, multiple submitters, no conflicts (2 of 4 stars). 4 submissions from 4 submitters: Uncertain significance (4). Last evaluated 2026-02-01.

Conditions:
Cardiovascular phenotype. Identifiers: MedGen CN230736.
Hereditary cancer-predisposing syndrome. Also called: Hereditary neoplastic syndrome; Neoplastic Syndromes, Hereditary; Tumor predisposition; Hereditary Cancer Syndrome. Identifiers: Orphanet 140162, MedGen C0027672, MeSH D009386, MONDO:0015356.
LZTR1-related schwannomatosis. Also called: Schwannomatosis 2; Schwannomatosis-2, susceptibility to. Identifiers: Orphanet 93921, MedGen C3810283, MONDO:0014299, OMIM 615670.

Allele frequency attached by ClinVar (database versions not stated): ExAC 0.00001; gnomAD exomes 0.00001; TOPMed 0.00001.
gnomAD v4.1: 4 of 1,613,524 alleles (0.00025%); highest among the groups gnomAD compares: Non-Finnish European, 0.00034%; no homozygotes.

Submissions (4):

CeGaT Center for Human Genetics Tuebingen
Classification: Uncertain significance. Last evaluated: 2026-02-01. Review status: criteria provided, single submitter. Criteria: CeGaT Center For Human Genetics Tuebingen Variant Classification Criteria Version 2. Collection method: clinical testing. Allele origin: germline. Affected: yes. Observed: 2 variant alleles.
Comment: LZTR1: PM2

Labcorp Genetics (formerly Invitae), Labcorp
Classification: Uncertain significance. Last evaluated: 2025-12-04. Review status: criteria provided, single submitter. Criteria: Invitae Variant Classification Sherloc (09022015). Collection method: clinical testing. Allele origin: germline.
Comment: This sequence change replaces lysine, which is basic and polar, with arginine, which is basic and polar, at codon 656 of the LZTR1 protein (p.Lys656Arg). The frequency data for this variant in the population databases is considered unreliable, as metrics indicate poor data quality at this position in the gnomAD database. This variant has not been reported in the literature in individuals affected with LZTR1-related conditions. ClinVar contains an entry for this variant (Variation ID: 1783536). Invitae Evidence Modeling of protein sequence and biophysical properties (such as structural, functional, and spatial information, amino acid conservation, physicochemical variation, residue mobility, and thermodynamic stability) indicates that this missense variant is not expected to disrupt LZTR1 protein function with a negative predictive value of 80%. In summary, the available evidence is currently insufficient to determine the role of this variant in disease. Therefore, it has been classified as a Variant of Uncertain Significance.

Baylor Genetics
Classification: Uncertain significance for LZTR1-related schwannomatosis. Last evaluated: 2023-10-25. Review status: criteria provided, single submitter. Criteria: ACMG Guidelines, 2015. Collection method: clinical testing. Allele origin: unknown.

Ambry Genetics
Classification: Uncertain significance for Cardiovascular phenotype; Hereditary cancer-predisposing syndrome. Last evaluated: 2022-02-06. Review status: criteria provided, single submitter. Criteria: Ambry Variant Classification Scheme 2023. Collection method: clinical testing. Allele origin: germline.
Comment: The p.K656R variant (also known as c.1967A>G), located in coding exon 17 of the LZTR1 gene, results from an A to G substitution at nucleotide position 1967. The lysine at codon 656 is replaced by arginine, an amino acid with highly similar properties. This amino acid position is conserved. In addition, this alteration is predicted to be tolerated by in silico analysis. Since supporting evidence is limited at this time, the clinical significance of this alteration remains unclear.

NM_006767.4(LZTR1):c.1967A>G (p.Lys656Arg)

Gene: LZTR1 (leucine zipper like post translational regulator 1; plus strand). Cytogenetic location: 22q11.21.
Variant type: single nucleotide variant.
Coding change: c.1967A>G on transcript NM_006767.4 (MANE Select); coding-DNA position 1967, A replaced by G.
Protein change: p.Lys656Arg; replaces lysine 656 with arginine.
Molecular consequence: missense variant.
Genome position (GRCh38, 1-based): chr22:20,995,770, A>G. VCF-style: chr22-20995770-A-G. GRCh37 (hg19) VCF-style: chr22-21350059-A-G.
Other names: short protein forms K656R.
Identifiers: ClinVar variation 1783536 (VCV001783536.16), dbSNP rs763326241, ClinGen allele CA10119178.
Genomic context (GRCh38, chr22:20,995,770, plus strand): 5'-CAGGCTGTACCTGCTCAGGGACCCTCCTACCCCCAGGCACATCTCTGATCCAGGACATGA[A>G]GGCATACCTGGAGGGAGCGGGCGCGGAATTCTGTGACATCACTCTGTTGCTTGACGGGCA-3'
Protein context (NP_006758.2, residues 646-666): DIGTSLIQDM[Lys656Arg]AYLEGAGAEF